The following is an entry in ClinVar:

NM_020754.4(ARHGAP31):c.1433G>A (p.Arg478His)

Gene: ARHGAP31 (Rho GTPase activating protein 31; plus strand). Cytogenetic location: 3q13.33.
Variant type: single nucleotide variant.
Coding change: c.1433G>A on transcript NM_020754.4 (MANE Select); coding-DNA position 1433, G replaced by A.
Protein change: p.Arg478His; replaces arginine 478 with histidine.
Molecular consequence: missense variant.
Genome position (GRCh38, 1-based): chr3:119,402,185, G>A. VCF-style: chr3-119402185-G-A. GRCh37 (hg19) VCF-style: chr3-119121032-G-A.
Other names: c.1433G>A (NM_020754.2); short protein forms R478H.
Identifiers: ClinVar variation 1973623 (VCV001973623.6), dbSNP rs376265481, ClinGen allele CA2553818.

ClinVar aggregate classification (germline): Uncertain significance. Review status: criteria provided, multiple submitters, no conflicts (2 of 4 stars). 2 submissions from 2 submitters: Uncertain significance (2). Last evaluated 2025-06-12.

Conditions:
Inborn genetic diseases. Identifiers: MedGen C0950123, MeSH D030342.

Allele frequency attached by ClinVar (database versions not stated): ExAC 0.00002; gnomAD 0.00004; TOPMed 0.00005; ESP Exome Variant Server 0.00016.
gnomAD v4.1: 9 of 1,614,158 alleles (0.00056%); highest among the groups gnomAD compares: African/African-American, 0.0093%; no homozygotes.

Submissions (2):

Labcorp Genetics (formerly Invitae), Labcorp
Classification: Uncertain significance. Last evaluated: 2025-06-12. Review status: criteria provided, single submitter. Criteria: Invitae Variant Classification Sherloc (09022015). Collection method: clinical testing. Allele origin: germline.
Comment: This sequence change replaces arginine, which is basic and polar, with histidine, which is basic and polar, at codon 478 of the ARHGAP31 protein (p.Arg478His). This variant is present in population databases (rs376265481, gnomAD 0.02%). This variant has not been reported in the literature in individuals affected with ARHGAP31-related conditions. ClinVar contains an entry for this variant (Variation ID: 1973623). An algorithm developed to predict the effect of missense changes on protein structure and function outputs the following: PolyPhen-2: "Benign". The histidine amino acid residue is found in multiple mammalian species, which suggests that this missense change does not adversely affect protein function. In summary, the available evidence is currently insufficient to determine the role of this variant in disease. Therefore, it has been classified as a Variant of Uncertain Significance.

Ambry Genetics
Classification: Uncertain significance for Inborn genetic diseases. Last evaluated: 2024-01-04. Review status: criteria provided, single submitter. Criteria: Ambry Variant Classification Scheme 2023. Collection method: clinical testing. Allele origin: germline.